The following is an entry in ClinVar:

NM_003002.4(SDHD):c.297C>T (p.Leu99=)

Gene: SDHD (succinate dehydrogenase complex subunit D; plus strand). Cytogenetic location: 11q23.1.
Variant type: single nucleotide variant.
Coding change: c.297C>T on transcript NM_003002.4 (MANE Select); coding-DNA position 297, C replaced by T.
Protein change: p.Leu99=; no amino-acid change (leucine 99 retained).
Molecular consequence: synonymous variant. On other transcripts: non-coding transcript variant (1), intron variant (1).
Genome position (GRCh38, 1-based): chr11:112,088,994, C>T. VCF-style: chr11-112088994-C-T. GRCh37 (hg19) VCF-style: chr11-111959718-C-T.
Other names: c.297C>T (NM_003002.2); c.180C>T, p.Leu60= (NM_001276504.2); c.297C>T, p.Leu99= (NM_001276506.2); c.169+1021C>T (NM_001276503.2).
Identifiers: ClinVar variation 417308 (VCV000417308.17), dbSNP rs749657880, ClinGen allele CA071034.

ClinVar aggregate classification (germline): Benign/Likely benign. Review status: criteria provided, multiple submitters, no conflicts (2 of 4 stars). 5 submissions from 5 submitters: Benign (1); Likely benign (4). Last evaluated 2025-06-24.

Conditions:
Paragangliomas with sensorineural hearing loss. Identifiers: MedGen C1868633.
Pheochromocytoma. Also called: MAX-Related Hereditary Paraganglioma-Pheochromocytoma Syndrome. Identifiers: Orphanet 29072, MedGen C0031511, MONDO:0008233, OMIM 171300, HP:0002666.
Cowden syndrome 3 (CWS3). Identifiers: Orphanet 201, MedGen CN166604, MONDO:0014045.
Carney-Stratakis syndrome. Also called: PARAGANGLIOMA AND GASTROINTESTINAL STROMAL TUMOR. Identifiers: Orphanet 97286, MedGen C1847319, MONDO:0011740, OMIM 606864.
Hereditary cancer-predisposing syndrome. Also called: Neoplastic Syndromes, Hereditary; Hereditary neoplastic syndrome; Tumor predisposition; Hereditary Cancer Syndrome. Identifiers: Orphanet 140162, MedGen C0027672, MeSH D009386, MONDO:0015356.
Hereditary pheochromocytoma and paraganglioma. Also called: Hereditary Paraganglioma-Pheochromocytoma Syndromes; Hereditary paragangliomas and pheochromocytomas; Hereditary pheochromocytoma-paraganglioma. Identifiers: Orphanet 29072, MedGen C4274332, MONDO:0017366.
Pheochromocytoma/paraganglioma syndrome 1. Also called: Paragangliomas 1; Glomus tumors familial 1; Paraganglioma - glomus jugulare; SDHD-Related Hereditary Paraganglioma-Pheochromocytoma Syndrome; PARAGANGLIOMAS, FAMILIAL NONCHROMAFFIN, 1; PGL 1. Identifiers: Orphanet 29072, MedGen C3494181, MONDO:0008192, OMIM 168000.

Allele frequency attached by ClinVar (database versions not stated): gnomAD 0.00001; gnomAD exomes 0.00001 and 0.00002; TOPMed 0.00001; ExAC 0.00003.
gnomAD v4.1: 5 of 1,614,084 alleles (0.00031%); highest among the groups gnomAD compares: Admixed American, 0.005%; no homozygotes.

Submissions (5):

Labcorp Genetics (formerly Invitae), Labcorp
Classification: Likely benign for Carney-Stratakis syndrome; Paragangliomas with sensorineural hearing loss; Pheochromocytoma; Cowden syndrome 3. Last evaluated: 2025-06-24. Review status: criteria provided, single submitter. Criteria: Invitae Variant Classification Sherloc (09022015). Collection method: clinical testing. Allele origin: germline.

Myriad Genetics, Inc.
Classification: Benign for Pheochromocytoma/paraganglioma syndrome 1. Last evaluated: 2025-03-17. Review status: criteria provided, single submitter. Criteria: Myriad Autosomal Dominant, Autosomal Recessive and X-Linked Classification Criteria (2023). Collection method: clinical testing. Allele origin: unknown.
Comment: This variant is considered benign. This variant is a silent/synonymous amino acid change and it is not expected to impact splicing.

Women's Health and Genetics/Laboratory Corporation of America, LabCorp
Classification: Likely benign. Last evaluated: 2024-11-20. Review status: criteria provided, single submitter. Criteria: LabCorp Variant Classification Summary - May 2015. Collection method: clinical testing. Allele origin: germline.

All of Us Research Program, National Institutes of Health
Classification: Likely benign for Hereditary pheochromocytoma and paraganglioma. Last evaluated: 2024-04-25. Review status: criteria provided, single submitter. Criteria: ACMG Guidelines, 2015. Collection method: clinical testing. Allele origin: germline. Inheritance: Autosomal dominant inheritance. Observed: 1 variant allele, 1 heterozygote.
Comment: This study involves interpretation of variants in research participants for the purpose of population health screening. Participant phenotype was not available at the time of variant classification. Additional details can be found in publication PMID: 35346344, PMCID: PMC8962531

Ambry Genetics
Classification: Likely benign for Hereditary cancer-predisposing syndrome. Last evaluated: 2023-09-27. Review status: criteria provided, single submitter. Criteria: Ambry Variant Classification Scheme 2023. Collection method: clinical testing. Allele origin: germline.